The following is an entry in ClinVar:

ClinVar aggregate classification (germline): Pathogenic (1 of 4 stars; one submission).

Conditions:
COG5-congenital disorder of glycosylation. Also called: CONGENITAL DISORDER OF GLYCOSYLATION, TYPE IIi; COG5-CDG; CDG IIi. Identifiers: Orphanet 263487, MedGen C3150876, MONDO:0013325, OMIM 613612.

Submission:

Labcorp Genetics (formerly Invitae), Labcorp
Classification: Pathogenic for COG5-congenital disorder of glycosylation. Last evaluated: 2022-08-16. Review status: criteria provided, single submitter. Criteria: Invitae Variant Classification Sherloc (09022015). Collection method: clinical testing. Allele origin: germline.
Comment: For these reasons, this variant has been classified as Pathogenic. This variant has not been reported in the literature in individuals affected with COG5-related conditions. This variant is a gross deletion of the genomic region encompassing exon(s) 1-5 of the COG5 gene, which includes the initiator codon. This deletion extends beyond the assayed region for this gene and therefore may encompass additional genes. It is expected to result in an absent or disrupted protein product. Loss-of-function variants in COG5 are known to be pathogenic (PMID: 23228021).

Literature cited by the submitters: PubMed 23228021.

NC_000007.13:g.(?_107188536)_(107204434_?)del

Genes: COG5 (component of oligomeric golgi complex 5; minus strand), DUS4L (dihydrouridine synthase 4 like; plus strand). Cytogenetic location: 7q22.3.
Variant type: Deletion.
Identifiers: ClinVar variation 2425577 (VCV002425577.4).